The following is an entry in ClinVar:

ClinVar aggregate classification (germline): Uncertain significance (1 of 4 stars; one submission).

Conditions:
Spongy degeneration of central nervous system. Also called: ACY2 DEFICIENCY; AMINOACYLASE 2 DEFICIENCY; ASP DEFICIENCY; ASPA DEFICIENCY; ASPARTOACYLASE DEFICIENCY; CANAVAN-VAN BOGAERT-BERTRAND DISEASE. Identifiers: Orphanet 141, MedGen C0206307, MONDO:0010079, OMIM 271900.

Allele frequency attached by ClinVar (database versions not stated): gnomAD exomes below 0.00001.
gnomAD v4.1: 2 of 1,613,860 alleles (0.00012%); highest among the groups gnomAD compares: Non-Finnish European, 0.00017%; no homozygotes.

Submission:

Labcorp Genetics (formerly Invitae), Labcorp
Classification: Uncertain significance for Spongy degeneration of central nervous system. Last evaluated: 2022-10-24. Review status: criteria provided, single submitter. Criteria: Invitae Variant Classification Sherloc (09022015). Collection method: clinical testing. Allele origin: germline.
Comment: This variant has not been reported in the literature in individuals affected with ASPA-related conditions. This sequence change replaces asparagine, which is neutral and polar, with threonine, which is neutral and polar, at codon 117 of the ASPA protein (p.Asn117Thr). This variant is not present in population databases (gnomAD no frequency). Advanced modeling of protein sequence and biophysical properties (such as structural, functional, and spatial information, amino acid conservation, physicochemical variation, residue mobility, and thermodynamic stability) has been performed at Invitae for this missense variant, however the output from this modeling did not meet the statistical confidence thresholds required to predict the impact of this variant on ASPA protein function. In summary, the available evidence is currently insufficient to determine the role of this variant in disease. Therefore, it has been classified as a Variant of Uncertain Significance.

NM_000049.4(ASPA):c.350A>C (p.Asn117Thr)

Genes: SPATA22 (spermatogenesis associated 22; minus strand), ASPA (aspartoacylase; plus strand). Cytogenetic location: 17p13.2.
Variant type: single nucleotide variant.
Coding change: c.350A>C on transcript NM_000049.4 (MANE Select); coding-DNA position 350, A replaced by C.
Protein change: p.Asn117Thr; replaces asparagine 117 with threonine.
Molecular consequence: missense variant. On other transcripts: intron variant (2).
Genome position (GRCh38, 1-based): chr17:3,481,716, A>C. VCF-style: chr17-3481716-A-C. GRCh37 (hg19) VCF-style: chr17-3385010-A-C.
Other names: c.350A>C, p.Asn117Thr (NM_001128085.1); c.-73-12318T>G (NM_001321336.2, NM_001321337.2); short protein forms N117T.
Identifiers: ClinVar variation 1989078 (VCV001989078.3), dbSNP rs2543619688, ClinGen allele CA397682312.
Genomic context (GRCh38, chr17:3,481,716, plus strand): 5'-ATCATTTATTTGGTCCAAAAGACAGTGAAGATTCCTATGACATTATTTTTGACCTTCACA[A>C]CACCACCTCTAACATGGGGTGCACTCTTATTCTTGAGGATTCCAGGAATAACTTTTTAAT-3'
Protein context (NP_000040.1, residues 107-127): DSYDIIFDLH[Asn117Thr]TTSNMGCTLI